The following is an entry in ClinVar:

NM_005392.4(PHF2):c.2214G>A (p.Ser738=)

Gene: PHF2 (PHD finger protein 2; plus strand). Cytogenetic location: 9q22.31.
Variant type: single nucleotide variant.
Coding change: c.2214G>A on transcript NM_005392.4 (MANE Select); coding-DNA position 2214, G replaced by A.
Protein change: p.Ser738=; no amino-acid change (serine 738 retained).
Molecular consequence: synonymous variant.
Genome position (GRCh38, 1-based): chr9:93,667,106, G>A. VCF-style: chr9-93667106-G-A. GRCh37 (hg19) VCF-style: chr9-96429388-G-A.
Identifiers: ClinVar variation 776435 (VCV000776435.6), dbSNP rs79708182, ClinGen allele CA5132935.

ClinVar aggregate classification (germline): Benign. Review status: criteria provided, multiple submitters, no conflicts (2 of 4 stars). 3 submissions from 3 submitters: Benign (2). 1 of the submissions does not count toward it. Last evaluated 2017-09-20.

Conditions:
PHF2-related disorder. Also called: PHF2-related condition.

Allele frequency attached by ClinVar (database versions not stated): gnomAD exomes 0.00102 and 0.00242; ExAC 0.00324; gnomAD 0.00957 and 0.01020; TOPMed 0.01026; ESP Exome Variant Server 0.01061; 1000 Genomes Project 0.01358; 1000 Genomes Project 30x 0.01421.
gnomAD v4.1: 3,030 of 1,613,050 alleles (0.19%); highest among the groups gnomAD compares: African/African-American, 3.5%; 68 homozygotes.

Submissions (3):

Labcorp Genetics (formerly Invitae), Labcorp
Classification: Benign. Last evaluated: 2017-09-20. Review status: criteria provided, single submitter. Criteria: Invitae Variant Classification Sherloc (09022015). Collection method: clinical testing. Allele origin: germline.

Breakthrough Genomics
Classification: Benign. Review status: criteria provided, single submitter. Criteria: ACMG Guidelines, 2015. Collection method: not provided. Allele origin: germline. Inheritance: Unknown mechanism. Affected: yes.

PreventionGenetics, part of Exact Sciences
Classification: Likely benign for PHF2-related condition. Last evaluated: 2019-11-25. Review status: no assertion criteria provided. Collection method: clinical testing. Allele origin: germline. Not counted in ClinVar's aggregate classification.
Comment: This variant is classified as likely benign based on ACMG/AMP sequence variant interpretation guidelines (Richards et al. 2015 PMID: 25741868, with internal and published modifications).